The following is an entry in ClinVar:

NM_001384900.1(SEMA3D):c.1704-4G>A

Gene: SEMA3D (semaphorin 3D; minus strand). Cytogenetic location: 7q21.11.
Variant type: single nucleotide variant.
Coding change: c.1704-4G>A on transcript NM_001384900.1 (MANE Select); 4 bases into the intron before coding-DNA position 1704, G replaced by A.
Molecular consequence: intron variant.
Genome position (GRCh38, 1-based): chr7:85,012,850, C>T on the plus strand (G>A on the coding strand, the complement: SEMA3D is on the minus strand). VCF-style: chr7-85012850-C-T. GRCh37 (hg19) VCF-style: chr7-84642166-C-T.
Other names: c.1704-4G>A (NM_001384901.1, NM_001384903.1, NM_001384902.1 and 1 more transcripts).
Identifiers: ClinVar variation 3031556 (VCV003031556.2), dbSNP rs200711770, ClinGen allele CA4323317.

ClinVar aggregate classification (germline): Likely benign (0 of 4 stars; one submission).

Conditions:
SEMA3D-related disorder. Also called: SEMA3D-related condition.

Allele frequency attached by ClinVar (database versions not stated): ESP Exome Variant Server 0.00008; gnomAD 0.00018; TOPMed 0.00021; ExAC 0.00033; 1000 Genomes Project 30x 0.00047; 1000 Genomes Project 0.00060.
gnomAD v4.1: 146 of 1,608,896 alleles (0.0091%); highest among the groups gnomAD compares: East Asian, 0.22%; no homozygotes.

Submission:

PreventionGenetics, part of Exact Sciences
Classification: Likely benign for SEMA3D-related condition. Last evaluated: 2022-02-02. Review status: no assertion criteria provided. Collection method: clinical testing. Allele origin: germline.
Comment: This variant is classified as likely benign based on ACMG/AMP sequence variant interpretation guidelines (Richards et al. 2015 PMID: 25741868, with internal and published modifications).